The following is an entry in ClinVar:

NM_000059.4(BRCA2):c.8122del (p.Thr2708fs)

Gene: BRCA2 (BRCA2 DNA repair associated; plus strand). Cytogenetic location: 13q13.1.
Variant type: Deletion.
Coding change: c.8122del on transcript NM_000059.4 (MANE Select); coding-DNA position 8122, one base deleted (A; older notation c.8122delA).
Protein change: p.Thr2708fs; shifts the reading frame from threonine 2708.
Molecular consequence: frameshift variant. On other transcripts: non-coding transcript variant (1).
Genome position (GRCh38, 1-based): chr13:32,363,324, A deleted; the last of 4 consecutive A bases (chr13:32,363,321-32,363,324); deleting any one gives the same sequence. VCF-style (leftmost placement, unchanged base first): chr13-32363320-TA-T. GRCh37 (hg19) VCF-style: chr13-32937457-TA-T.
Other names: c.8026del, p.Thr2676fs (NM_001406719.1); c.8122del, p.Thr2708fs (NM_001432077.1, NM_001406720.1); c.3190del, p.Thr1064fs (NM_001406721.1); c.1705del, p.Thr569fs (NM_001406722.1); short protein forms T569fs, T1064fs, T2676fs, T2708fs.
Identifiers: ClinVar variation 3992778 (VCV003992778.1).

ClinVar aggregate classification (germline): Pathogenic (1 of 4 stars; one submission).

Conditions:
Hereditary cancer-predisposing syndrome. Also called: Tumor predisposition; Hereditary neoplastic syndrome; Neoplastic Syndromes, Hereditary; Hereditary Cancer Syndrome. Identifiers: Orphanet 140162, MedGen C0027672, MeSH D009386, MONDO:0015356.

Submission:

Ambry Genetics
Classification: Pathogenic for Hereditary cancer-predisposing syndrome. Last evaluated: 2025-04-15. Review status: criteria provided, single submitter. Criteria: Ambry Variant Classification Scheme 2023. Collection method: clinical testing. Allele origin: germline.
Comment: The c.8122delA pathogenic mutation, located in coding exon 17 of the BRCA2 gene, results from a deletion of one nucleotide at nucleotide position 8122, causing a translational frameshift with a predicted alternate stop codon (p.T2708Lfs*25). This variant is considered to be rare based on population cohorts in the Genome Aggregation Database (gnomAD). This alteration is expected to result in loss of function by premature protein truncation or nonsense-mediated mRNA decay. As such, this alteration is interpreted as a disease-causing mutation.